The following is an entry in ClinVar:

NM_006662.3(SRCAP):c.3686G>T (p.Gly1229Val)

Gene: SRCAP (Snf2 related CREBBP activator protein; plus strand). Cytogenetic location: 16p11.2.
Variant type: single nucleotide variant.
Coding change: c.3686G>T on transcript NM_006662.3 (MANE Select); coding-DNA position 3686, G replaced by T.
Protein change: p.Gly1229Val; replaces glycine 1229 with valine.
Molecular consequence: missense variant.
Genome position (GRCh38, 1-based): chr16:30,722,266, G>T. VCF-style: chr16-30722266-G-T. GRCh37 (hg19) VCF-style: chr16-30733587-G-T.
Other names: short protein forms G1229V.
Identifiers: ClinVar variation 2983335 (VCV002983335.3), dbSNP rs920664069, ClinGen allele CA280512377.

ClinVar aggregate classification (germline): Uncertain significance (1 of 4 stars; one submission).

Allele frequency attached by ClinVar (database versions not stated): TOPMed below 0.00001; gnomAD 0.00001.
gnomAD v4.1: 1 of 1,613,842 alleles (0.000062%); highest among the groups gnomAD compares: African/African-American, 0.0013%; no homozygotes.

Submission:

Labcorp Genetics (formerly Invitae), Labcorp
Classification: Uncertain significance. Last evaluated: 2023-10-29. Review status: criteria provided, single submitter. Criteria: Invitae Variant Classification Sherloc (09022015). Collection method: clinical testing. Allele origin: germline.
Comment: This sequence change replaces glycine, which is neutral and non-polar, with valine, which is neutral and non-polar, at codon 1229 of the SRCAP protein (p.Gly1229Val). This variant is not present in population databases (gnomAD no frequency). This variant has not been reported in the literature in individuals affected with SRCAP-related conditions. Advanced modeling of protein sequence and biophysical properties (such as structural, functional, and spatial information, amino acid conservation, physicochemical variation, residue mobility, and thermodynamic stability) has been performed at Invitae for this missense variant, however the output from this modeling did not meet the statistical confidence thresholds required to predict the impact of this variant on SRCAP protein function. In summary, the available evidence is currently insufficient to determine the role of this variant in disease. Therefore, it has been classified as a Variant of Uncertain Significance.